The following is an entry in ClinVar:

NM_006121.4(KRT1):c.1215C>T (p.Ile405=)

Gene: KRT1 (keratin 1; minus strand). Cytogenetic location: 12q13.13.
Variant type: single nucleotide variant.
Coding change: c.1215C>T on transcript NM_006121.4 (MANE Select); coding-DNA position 1215, C replaced by T.
Protein change: p.Ile405=; no amino-acid change (isoleucine 405 retained).
Molecular consequence: synonymous variant.
Genome position (GRCh38, 1-based): chr12:52,677,098, G>A on the plus strand (C>T on the coding strand, the complement: KRT1 is on the minus strand). VCF-style: chr12-52677098-G-A. GRCh37 (hg19) VCF-style: chr12-53070882-G-A.
Identifiers: ClinVar variation 4988262 (VCV004988262.1).

ClinVar aggregate classification (germline): Likely benign (1 of 4 stars; one submission).

Conditions:
KRT1-related disorder. Also called: KRT1-related condition.

gnomAD v4.1: 147 of 1,613,922 alleles (0.0091%); highest among the groups gnomAD compares: Middle Eastern, 0.15%; 1 homozygote.

Submission:

PreventionGenetics, part of Exact Sciences
Classification: Likely benign for KRT1-related condition. Last evaluated: 2025-01-27. Review status: criteria provided, single submitter. Criteria: ACMG Guidelines, 2015. Collection method: clinical testing. Allele origin: germline.
Comment: This variant is classified as likely benign based on ACMG/AMP sequence variant interpretation guidelines (Richards et al. 2015 PMID: 25741868, with internal and published modifications).